The following is an entry in ClinVar:

NM_001048174.2(MUTYH):c.493-1G>A

Gene: MUTYH (mutY DNA glycosylase; minus strand). Cytogenetic location: 1p34.1.
Variant type: single nucleotide variant.
Coding change: c.493-1G>A on transcript NM_001048174.2 (MANE Select); the canonical splice acceptor site of the intron before coding-DNA position 493, G replaced by A.
Molecular consequence: splice acceptor variant.
Genome position (GRCh38, 1-based): chr1:45,332,688, C>T on the plus strand (G>A on the coding strand, the complement: MUTYH is on the minus strand). VCF-style: chr1-45332688-C-T. GRCh37 (hg19) VCF-style: chr1-45798360-C-T.
Other names: c.493-1G>A (NM_001407072.1, NM_001407073.1, NM_001048171.2 and 6 more transcripts); c.148-1G>A (NM_001350651.2, NM_001350650.2, NM_001407082.1); c.217-1G>A (NM_001293192.2, NM_001293196.2, NM_001407091.1); c.538-1G>A (NM_001293190.2); c.526-1G>A (NM_001407069.1, NM_001407077.1, NM_001293191.2); c.568-1G>A (NM_012222.3); c.577-1G>A (NM_001128425.2); c.496-1G>A (NM_001407071.1, NM_001048172.2, NM_001407078.1 and 1 more transcripts); and 5 more.
Identifiers: ClinVar variation 1066756 (VCV001066756.8), dbSNP rs1423002555, ClinGen allele CA340135486.

ClinVar aggregate classification (germline): Likely pathogenic (1 of 4 stars; one submission).

Conditions:
Familial adenomatous polyposis 2. Also called: Adenomas, multiple colorectal; MUTYH Polyposis; COLORECTAL ADENOMATOUS POLYPOSIS, AUTOSOMAL RECESSIVE; ADENOMAS, MULTIPLE COLORECTAL, AUTOSOMAL RECESSIVE; FAP type 2; MUTYH-associated polyposis. Identifiers: Orphanet 220460, Orphanet 247798, MedGen C3272841, MONDO:0012041, OMIM 608456.

Submission:

Labcorp Genetics (formerly Invitae), Labcorp
Classification: Likely pathogenic for Familial adenomatous polyposis 2. Last evaluated: 2020-02-24. Review status: criteria provided, single submitter. Criteria: Invitae Variant Classification Sherloc (09022015). Collection method: clinical testing. Allele origin: germline.
Comment: This sequence change affects an acceptor splice site in intron 7 of the MUTYH gene. It is expected to disrupt RNA splicing and likely results in an absent or disrupted protein product. This variant is not present in population databases (ExAC no frequency). This variant has not been reported in the literature in individuals with MUTYH-related conditions. Algorithms developed to predict the effect of sequence changes on RNA splicing suggest that this variant may disrupt the consensus splice site, but this prediction has not been confirmed by published transcriptional studies. Donor and acceptor splice site variants typically lead to a loss of protein function (PMID: 16199547), and loss-of-function variants in MUTYH are known to be pathogenic (PMID: 18534194, 20663686). In summary, the currently available evidence indicates that the variant is pathogenic, but additional data are needed to prove that conclusively. Therefore, this variant has been classified as Likely Pathogenic.

Literature cited by the submitters: PubMed 16199547; PubMed 18534194; PubMed 20663686.